The following is an entry in ClinVar:

NM_005445.4(SMC3):c.3356A>G (p.Gln1119Arg)

Gene: SMC3 (structural maintenance of chromosomes 3; plus strand). Cytogenetic location: 10q25.2.
Variant type: single nucleotide variant.
Coding change: c.3356A>G on transcript NM_005445.4 (MANE Select); coding-DNA position 3356, A replaced by G.
Protein change: p.Gln1119Arg; replaces glutamine 1119 with arginine.
Molecular consequence: missense variant.
Genome position (GRCh38, 1-based): chr10:110,602,883, A>G. VCF-style: chr10-110602883-A-G. GRCh37 (hg19) VCF-style: chr10-112362641-A-G.
Other names: short protein forms Q1119R.
Identifiers: ClinVar variation 2579963 (VCV002579963.1), dbSNP rs2493149927, ClinGen allele CA378395071.
Genomic context (GRCh38, chr10:110,602,883, plus strand): 5'-AGGTGTCATTTACAGGAAAACAAGGTGAAATGAGAGAAATGCAACAGCTTTCAGGTGGAC[A>G]GAAATCCTTGGTAGCCCTTGCTCTGATTTTTGCCATTCAGAAATGTGACCCGGCTCCATT-3'
Protein context (NP_005436.1, residues 1109-1129): MREMQQLSGG[Gln1119Arg]KSLVALALIF

ClinVar aggregate classification (germline): Likely pathogenic (1 of 4 stars; one submission).

Submission:

GeneDx
Classification: Likely pathogenic. Last evaluated: 2023-09-12. Review status: criteria provided, single submitter. Criteria: GeneDx Variant Classification Process June 2021. Collection method: clinical testing. Allele origin: germline. Affected: yes.
Comment: Not observed at significant frequency in large population cohorts (gnomAD); In silico analysis supports that this missense variant has a deleterious effect on protein structure/function; Has not been previously published as pathogenic or benign to our knowledge